The following is an entry in ClinVar:

NM_002742.3(PRKD1):c.171G>T (p.Leu57=)

Gene: PRKD1 (protein kinase D1; minus strand). Cytogenetic location: 14q12.
Variant type: single nucleotide variant.
Coding change: c.171G>T on transcript NM_002742.3 (MANE Select); coding-DNA position 171, G replaced by T.
Protein change: p.Leu57=; no amino-acid change (leucine 57 retained).
Molecular consequence: synonymous variant.
Genome position (GRCh38, 1-based): chr14:29,927,342, C>A on the plus strand (G>T on the coding strand, the complement: PRKD1 is on the minus strand). VCF-style: chr14-29927342-C-A. GRCh37 (hg19) VCF-style: chr14-30396548-C-A.
Other names: c.171G>T, p.Leu57= (NM_001330069.2).
Identifiers: ClinVar variation 4820977 (VCV004820977.4).
Genomic context (GRCh38, chr14:29,927,342, plus strand): 5'-GACGTGCGCCAGGCTGTAGTCCCCGGACGAGTCCTGCAGCAGCAGCACCGGCTCACGGCT[C>A]AGGCCGATCTGCAGATGGAACGAGATGCCCCCGACCGGGGCCGCGACAGGAGCCAAGAAC-3'
Protein context (NP_002733.2, residues 47-67): GGISFHLQIG[Leu57=]SREPVLLLQD

ClinVar aggregate classification (germline): Likely benign (1 of 4 stars; one submission).

Submission:

CeGaT Center for Human Genetics Tuebingen
Classification: Likely benign. Last evaluated: 2026-02-01. Review status: criteria provided, single submitter. Criteria: CeGaT Center For Human Genetics Tuebingen Variant Classification Criteria Version 2. Collection method: clinical testing. Allele origin: germline. Affected: yes. Observed: 1 variant allele.
Comment: PRKD1: PM2:Supporting, BP4, BP7